The following is an entry in ClinVar:

ClinVar aggregate classification (germline): Uncertain significance (1 of 4 stars; one submission).

Allele frequency attached by ClinVar (database versions not stated): gnomAD exomes 0.00001.
gnomAD v4.1: 4 of 1,614,082 alleles (0.00025%); highest among the groups gnomAD compares: Admixed American, 0.005%; no homozygotes.

Submission:

Labcorp Genetics (formerly Invitae), Labcorp
Classification: Uncertain significance. Last evaluated: 2021-08-27. Review status: criteria provided, single submitter. Criteria: Invitae Variant Classification Sherloc (09022015). Collection method: clinical testing. Allele origin: germline.
Comment: In summary, the available evidence is currently insufficient to determine the role of this variant in disease. Therefore, it has been classified as a Variant of Uncertain Significance. Advanced modeling of protein sequence and biophysical properties (such as structural, functional, and spatial information, amino acid conservation, physicochemical variation, residue mobility, and thermodynamic stability) performed at Invitae indicates that this missense variant is not expected to disrupt CYP26B1 protein function. This variant has not been reported in the literature in individuals affected with CYP26B1-related conditions. This variant is not present in population databases (ExAC no frequency). This sequence change replaces glutamine with glutamic acid at codon 183 of the CYP26B1 protein (p.Gln183Glu). The glutamine residue is moderately conserved and there is a small physicochemical difference between glutamine and glutamic acid.

NM_019885.4(CYP26B1):c.547C>G (p.Gln183Glu)

Gene: CYP26B1 (cytochrome P450 family 26 subfamily B member 1; minus strand). Cytogenetic location: 2p13.2.
Variant type: single nucleotide variant.
Coding change: c.547C>G on transcript NM_019885.4 (MANE Select); coding-DNA position 547, C replaced by G.
Protein change: p.Gln183Glu; replaces glutamine 183 with glutamic acid.
Molecular consequence: missense variant.
Genome position (GRCh38, 1-based): chr2:72,135,302, G>C on the plus strand (C>G on the coding strand, the complement: CYP26B1 is on the minus strand). VCF-style: chr2-72135302-G-C. GRCh37 (hg19) VCF-style: chr2-72362431-G-C.
Other names: c.322C>G, p.Gln108Glu (NM_001277742.2); short protein forms Q183E, Q108E.
Identifiers: ClinVar variation 1449456 (VCV001449456.4), dbSNP rs1407577896, ClinGen allele CA347225892.